The following is an entry in ClinVar:

NM_007194.4(CHEK2):c.1352T>C (p.Val451Ala)

Gene: CHEK2 (checkpoint kinase 2; minus strand). Cytogenetic location: 22q12.1.
Variant type: single nucleotide variant.
Coding change: c.1352T>C on transcript NM_007194.4 (MANE Select); coding-DNA position 1352, T replaced by C.
Protein change: p.Val451Ala; replaces valine 451 with alanine.
Molecular consequence: missense variant.
Genome position (GRCh38, 1-based): chr22:28,695,150, A>G on the plus strand (T>C on the coding strand, the complement: CHEK2 is on the minus strand). VCF-style: chr22-28695150-A-G. GRCh37 (hg19) VCF-style: chr22-29091138-A-G.
Other names: c.1481T>C, p.Val494Ala (NM_001005735.3); c.689T>C, p.Val230Ala (NM_001257387.3); c.1151T>C, p.Val384Ala (NM_001349956.3); c.1265T>C, p.Val422Ala (NM_145862.3); short protein forms V451A, V384A, V422A, V230A, V494A.
Identifiers: ClinVar variation 233510 (VCV000233510.21), dbSNP rs139088611, ClinGen allele CA10581038.

ClinVar aggregate classification (germline): Uncertain significance. Review status: criteria provided, multiple submitters, no conflicts (2 of 4 stars). 7 submissions from 7 submitters: Uncertain significance (7). Last evaluated 2026-08-06.

Conditions:
Hereditary cancer-predisposing syndrome. Also called: Neoplastic Syndromes, Hereditary; Tumor predisposition; Hereditary Cancer Syndrome; Hereditary neoplastic syndrome. Identifiers: Orphanet 140162, MedGen C0027672, MeSH D009386, MONDO:0015356.
CHEK2-related cancer predisposition (TPDS4). Also called: TUMOR PREDISPOSITION SYNDROME 4; CANCER PREDISPOSITION SYNDROME, CHEK2-RELATED; CHEK2-related cancer susceptibility. Identifiers: Orphanet 524, MedGen C5882668, MONDO:0700271, OMIM 609265.
Familial cancer of breast. Also called: hereditary breast carcinoma; BREAST CANCER, FAMILIAL; Hereditary breast cancer. Identifiers: Orphanet 227535, MedGen C0346153, MONDO:0016419, OMIM 114480. Disease mechanism: loss of function.

Allele frequency attached by ClinVar (database versions not stated): TOPMed below 0.00001; gnomAD 0.00001; ESP Exome Variant Server 0.00008.

Submissions (7):

OLLIN Analises Genomicas, OLLIN
Classification: Uncertain significance for CHEK2-related cancer predisposition. Last evaluated: 2026-08-06. Review status: criteria provided, single submitter. Criteria: ACMG Guidelines 2015 PMID 25741868. Collection method: clinical testing. Allele origin: germline.
Comment: This missense variant, located in exon 12 (of 15), has been reported in ClinVar (accession VCV000233510.19) and in gnomAD with an allele frequency of 0.00019%. However, to our knowledge, it has not been reported in the scientific literature. In silico analysis predicts that this variant has a tolerated effect. According to the currently available evidence, this variant has been classified as uncertain significance (PM2_P, BP4_M).

Labcorp Genetics (formerly Invitae), Labcorp
Classification: Uncertain significance for Familial cancer of breast. Last evaluated: 2025-06-03. Review status: criteria provided, single submitter. Criteria: Invitae Variant Classification Sherloc (09022015). Collection method: clinical testing. Allele origin: germline.
Comment: This sequence change replaces valine, which is neutral and non-polar, with alanine, which is neutral and non-polar, at codon 451 of the CHEK2 protein (p.Val451Ala). This variant is not present in population databases (gnomAD no frequency). This variant has not been reported in the literature in individuals affected with CHEK2-related conditions. ClinVar contains an entry for this variant (Variation ID: 233510). An algorithm developed to predict the effect of missense changes on protein structure and function outputs the following: PolyPhen-2: "Benign". The alanine amino acid residue is found in multiple mammalian species, which suggests that this missense change does not adversely affect protein function. In summary, the available evidence is currently insufficient to determine the role of this variant in disease. Therefore, it has been classified as a Variant of Uncertain Significance.

Ambry Genetics
Classification: Uncertain significance for Hereditary cancer-predisposing syndrome. Last evaluated: 2024-10-29. Review status: criteria provided, single submitter. Criteria: Ambry Variant Classification Scheme 2023. Collection method: clinical testing. Allele origin: germline.
Comment: The p.V451A variant (also known as c.1352T>C), located in coding exon 11 of the CHEK2 gene, results from a T to C substitution at nucleotide position 1352. The valine at codon 451 is replaced by alanine, an amino acid with similar properties. This amino acid position is not well conserved in available vertebrate species. In addition, this alteration is predicted to be tolerated by in silico analysis. Based on the available evidence, the clinical significance of this variant remains unclear.

Blueprint Genetics
Classification: Uncertain significance. Last evaluated: 2024-06-04. Review status: criteria provided, single submitter. Criteria: ACMG Guidelines, 2015. Collection method: clinical testing. Allele origin: germline.

Color Diagnostics, LLC DBA Color Health
Classification: Uncertain significance for Hereditary cancer-predisposing syndrome. Last evaluated: 2024-02-13. Review status: criteria provided, single submitter. Criteria: ACMG Guidelines, 2015. Collection method: clinical testing. Allele origin: germline.
Comment: This missense variant replaces valine with alanine at codon 451 of the CHEK2 protein. Computational prediction suggests that this variant may not impact protein structure and function. To our knowledge, functional studies have not been reported for this variant. This variant has not been reported in individuals affected with CHEK2-related disorders in the literature. This variant has not been identified in the general population by the Genome Aggregation Database (gnomAD). The available evidence is insufficient to determine the role of this variant in disease conclusively. Therefore, this variant is classified as a Variant of Uncertain Significance.

Baylor Genetics
Classification: Uncertain significance for Familial cancer of breast. Last evaluated: 2024-02-02. Review status: criteria provided, single submitter. Criteria: ACMG Guidelines, 2015. Collection method: clinical testing. Allele origin: unknown.

GeneDx
Classification: Uncertain significance. Last evaluated: 2018-01-29. Review status: criteria provided, single submitter. Criteria: GeneDx Variant Classification (06012015). Collection method: clinical testing. Allele origin: germline. Affected: yes.
Comment: This variant is denoted CHEK2 c.1352T>C at the cDNA level, p.Val451Ala (V451A) at the protein level, and results in the change of a Valine to an Alanine (GTC>GCC). This variant has not, to our knowledge, been published in the literature as pathogenic or benign. This variant was not observed in large population cohorts (Lek 2016). CHEK2 Val451Ala is located in the kinase domain (Cai 2009, Roeb 2012). In-silico analysis, which includes protein predictors and evolutionary conservation, supports that this variant does not alter protein structure/function. Based on currently available evidence, it is unclear whether CHEK2 Val451Ala is a pathogenic or benign variant. We consider it to be a variant of uncertain significance.